The following is an entry in ClinVar:

NM_144999.4(LRRC45):c.1169T>C (p.Leu390Pro)

Gene: LRRC45 (leucine rich repeat containing 45; plus strand). Cytogenetic location: 17q25.3.
Variant type: single nucleotide variant.
Coding change: c.1169T>C on transcript NM_144999.4 (MANE Select); coding-DNA position 1169, T replaced by C.
Protein change: p.Leu390Pro; replaces leucine 390 with proline.
Molecular consequence: missense variant.
Genome position (GRCh38, 1-based): chr17:82,028,440, T>C. VCF-style: chr17-82028440-T-C. GRCh37 (hg19) VCF-style: chr17-79986316-T-C.
Other names: c.1169T>C (NM_144999.3); short protein forms L390P.
Identifiers: ClinVar variation 2401889 (VCV002401889.3), dbSNP rs200341016, ClinGen allele CA8847957.

ClinVar aggregate classification (germline): Uncertain significance. Review status: criteria provided, multiple submitters, no conflicts (2 of 4 stars). 2 submissions from 2 submitters: Uncertain significance (2). Last evaluated 2025-02-09.

Conditions:
LRRC45-related disorder. Also called: LRRC45-related condition.

Allele frequency attached by ClinVar (database versions not stated): ExAC 0.00002; gnomAD exomes 0.00003; ESP Exome Variant Server 0.00008; gnomAD 0.00024; TOPMed 0.00046.
gnomAD v4.1: 75 of 1,612,620 alleles (0.0047%); highest among the groups gnomAD compares: Admixed American, 0.093%; no homozygotes.

Submissions (2):

PreventionGenetics, part of Exact Sciences
Classification: Uncertain significance for LRRC45-related condition. Last evaluated: 2025-02-09. Review status: criteria provided, single submitter. Criteria: ACMG Guidelines, 2015. Collection method: clinical testing. Allele origin: germline.
Comment: The LRRC45 c.1169T>C variant is predicted to result in the amino acid substitution p.Leu390Pro. To our knowledge, this variant has not been reported in the literature. This variant is reported in 0.065% of alleles in individuals of Latino descent in gnomAD. At this time, the clinical significance of this variant is uncertain due to the absence of conclusive functional and genetic evidence.

Ambry Genetics
Classification: Uncertain significance. Last evaluated: 2022-11-08. Review status: criteria provided, single submitter. Criteria: Ambry Variant Classification Scheme 2023. Collection method: clinical testing. Allele origin: germline.